The following is an entry in ClinVar:

ClinVar aggregate classification (germline): Uncertain significance. Review status: criteria provided, multiple submitters, no conflicts (2 of 4 stars). 2 submissions from 2 submitters: Uncertain significance (2). Last evaluated 2023-09-29.

Allele frequency attached by ClinVar (database versions not stated): TOPMed below 0.00001; gnomAD 0.00001.
gnomAD v4.1: 2 of 1,607,746 alleles (0.00012%); no homozygotes.

Submissions (2):

Labcorp Genetics (formerly Invitae), Labcorp
Classification: Uncertain significance. Last evaluated: 2023-09-29. Review status: criteria provided, single submitter. Criteria: Invitae Variant Classification Sherloc (09022015). Collection method: clinical testing. Allele origin: germline.
Comment: In summary, the available evidence is currently insufficient to determine the role of this variant in disease. Therefore, it has been classified as a Variant of Uncertain Significance. Advanced modeling of protein sequence and biophysical properties (such as structural, functional, and spatial information, amino acid conservation, physicochemical variation, residue mobility, and thermodynamic stability) has been performed at Invitae for this missense variant, however the output from this modeling did not meet the statistical confidence thresholds required to predict the impact of this variant on ADGRV1 protein function. ClinVar contains an entry for this variant (Variation ID: 439393). This variant has not been reported in the literature in individuals affected with ADGRV1-related conditions. This variant is not present in population databases (gnomAD no frequency). This sequence change replaces tryptophan, which is neutral and slightly polar, with arginine, which is basic and polar, at codon 1903 of the ADGRV1 protein (p.Trp1903Arg).

ARUP Laboratories, Molecular Genetics and Genomics, ARUP Laboratories
Classification: Uncertain significance. Last evaluated: 2017-05-02. Review status: criteria provided, single submitter. Criteria: ARUP Molecular Germline Variant Investigation Process. Collection method: clinical testing. Allele origin: germline.
Comment: The p.Trp1903Arg variant has not been reported in the medical literature, gene specific variation databases, nor has it been previously identified by our laboratory. It is absent from general population databases such as 1000 Genomes, NHLBI GO Exome Sequencing Project (ESP) , and the Exome Aggregation Consortium (ExAC) browser. The tryptophan at position 1903 is highly conserved, up to Zebrafish (considering 12 species) (Alamut v.2.9.0) and computational analyses of the effects of the p.Trp1903Arg variant on protein structure and function predict a deleterious effect (SIFT: damaging, MutationTaster: disease causing, PolyPhen-2: probably damaging). Altogether, there is not enough evidence to classify the p.Trp1903Arg variant with certainty.

NM_032119.4(ADGRV1):c.5707T>A (p.Trp1903Arg)

Gene: ADGRV1 (adhesion G protein-coupled receptor V1; plus strand). Cytogenetic location: 5q14.3.
Variant type: single nucleotide variant.
Coding change: c.5707T>A on transcript NM_032119.4 (MANE Select); coding-DNA position 5707, T replaced by A.
Protein change: p.Trp1903Arg; replaces tryptophan 1903 with arginine.
Molecular consequence: missense variant. On other transcripts: non-coding transcript variant (1).
Genome position (GRCh38, 1-based): chr5:90,683,628, T>A. VCF-style: chr5-90683628-T-A. GRCh37 (hg19) VCF-style: chr5-89979445-T-A.
Other names: short protein forms W1903R.
Identifiers: ClinVar variation 439393 (VCV000439393.15), dbSNP rs1554081484, ClinGen allele CA360413208.